The following is an entry in ClinVar:

NM_017777.4(MKS1):c.1282A>T (p.Thr428Ser)

Gene: MKS1 (MKS transition zone complex subunit 1; minus strand). Cytogenetic location: 17q22.
Variant type: single nucleotide variant.
Coding change: c.1282A>T on transcript NM_017777.4 (MANE Select); coding-DNA position 1282, A replaced by T.
Protein change: p.Thr428Ser; replaces threonine 428 with serine.
Molecular consequence: missense variant. On other transcripts: intron variant (1).
Genome position (GRCh38, 1-based): chr17:58,207,210, T>A on the plus strand (A>T on the coding strand, the complement: MKS1 is on the minus strand). VCF-style: chr17-58207210-T-A. GRCh37 (hg19) VCF-style: chr17-56284571-T-A.
Other names: c.673A>T, p.Thr225Ser (NM_001321268.2); c.1282A>T, p.Thr428Ser (NM_001321269.2); c.1273+684A>T (NM_001330397.2); short protein forms T428S, T225S.
Identifiers: ClinVar variation 2103808 (VCV002103808.4), dbSNP rs1211784754, ClinGen allele CA400325049.
Genomic context (GRCh38, chr17:58,207,210, plus strand): 5'-ACCTCCTCAGCTCAGCCACCGTGCCAAGCTCCACAGGTCTCCACGTGGAGACTGTCAGGG[T>A]GTGTGAGCCTGCGCAAGGGAAGAGAAGACTGGGGCCAGGTCCAGAAAGGGCATGTGGCCC-3'
Protein context (NP_060247.2, residues 418-438): VVLPATPGSH[Thr428Ser]LTVSTWRPVE

ClinVar aggregate classification (germline): Uncertain significance (1 of 4 stars; one submission).

Conditions:
Joubert syndrome. Also called: CEREBELLOPARENCHYMAL DISORDER IV; JOUBERT-BOLTSHAUSER SYNDROME; Familial aplasia of the vermis. Identifiers: Orphanet 475, MedGen C5979921, MONDO:0018772.
Meckel-Gruber syndrome. Also called: DYSENCEPHALIA SPLANCHNOCYSTICA; GRUBER SYNDROME; Dysencephalia splachnocystica. Identifiers: Orphanet 564, MedGen C0265215, MONDO:0018921.

Allele frequency attached by ClinVar (database versions not stated): gnomAD 0.00001; gnomAD exomes 0.00001.
gnomAD v4.1: 9 of 1,613,564 alleles (0.00056%); highest among the groups gnomAD compares: Non-Finnish European, 0.00017%; no homozygotes.

Submission:

Labcorp Genetics (formerly Invitae), Labcorp
Classification: Uncertain significance for Joubert syndrome; Meckel-Gruber syndrome. Last evaluated: 2022-10-05. Review status: criteria provided, single submitter. Criteria: Invitae Variant Classification Sherloc (09022015). Collection method: clinical testing. Allele origin: germline.
Comment: This sequence change replaces threonine, which is neutral and polar, with serine, which is neutral and polar, at codon 428 of the MKS1 protein (p.Thr428Ser). In summary, the available evidence is currently insufficient to determine the role of this variant in disease. Therefore, it has been classified as a Variant of Uncertain Significance. Advanced modeling of protein sequence and biophysical properties (such as structural, functional, and spatial information, amino acid conservation, physicochemical variation, residue mobility, and thermodynamic stability) performed at Invitae indicates that this missense variant is not expected to disrupt MKS1 protein function. This variant has not been reported in the literature in individuals affected with MKS1-related conditions. This variant is present in population databases (no rsID available, gnomAD 0.02%).